The following is an entry in ClinVar:

NM_013275.6(ANKRD11):c.7405T>C (p.Tyr2469His)

Gene: ANKRD11 (ankyrin repeat domain 11; minus strand). Cytogenetic location: 16q24.3.
Variant type: single nucleotide variant.
Coding change: c.7405T>C on transcript NM_013275.6 (MANE Select); coding-DNA position 7405, T replaced by C.
Protein change: p.Tyr2469His; replaces tyrosine 2469 with histidine.
Molecular consequence: missense variant.
Genome position (GRCh38, 1-based): chr16:89,279,137, A>G on the plus strand (T>C on the coding strand, the complement: ANKRD11 is on the minus strand). VCF-style: chr16-89279137-A-G. GRCh37 (hg19) VCF-style: chr16-89345545-A-G.
Other names: c.7405T>C, p.Tyr2469His (NM_001256182.2, NM_001256183.2); short protein forms Y2469H.
Identifiers: ClinVar variation 1718327 (VCV001718327.5), dbSNP rs2544218404, ClinGen allele CA397148420.

ClinVar aggregate classification (germline): Uncertain significance (1 of 4 stars; one submission).

Conditions:
KBG syndrome (KBGS). Also called: ANKRD11-Related KBG Syndrome. Identifiers: Orphanet 2332, MedGen C0220687, MONDO:0007846, OMIM 148050.

Submission:

Labcorp Genetics (formerly Invitae), Labcorp
Classification: Uncertain significance for KBG syndrome. Last evaluated: 2022-08-30. Review status: criteria provided, single submitter. Criteria: Invitae Variant Classification Sherloc (09022015). Collection method: clinical testing. Allele origin: germline.
Comment: This sequence change replaces tyrosine, which is neutral and polar, with histidine, which is basic and polar, at codon 2469 of the ANKRD11 protein (p.Tyr2469His). This variant is not present in population databases (gnomAD no frequency). This variant has not been reported in the literature in individuals affected with ANKRD11-related conditions. Advanced modeling of protein sequence and biophysical properties (such as structural, functional, and spatial information, amino acid conservation, physicochemical variation, residue mobility, and thermodynamic stability) performed at Invitae indicates that this missense variant is expected to disrupt ANKRD11 protein function. In summary, the available evidence is currently insufficient to determine the role of this variant in disease. Therefore, it has been classified as a Variant of Uncertain Significance.